The following is an entry in ClinVar:

ClinVar aggregate classification (germline): Pathogenic (1 of 4 stars; one submission).

Conditions:
Hereditary cancer-predisposing syndrome. Also called: Hereditary neoplastic syndrome; Neoplastic Syndromes, Hereditary; Tumor predisposition; Hereditary Cancer Syndrome. Identifiers: Orphanet 140162, MedGen C0027672, MeSH D009386, MONDO:0015356.

Submission:

Ambry Genetics
Classification: Pathogenic for Hereditary cancer-predisposing syndrome. Last evaluated: 2025-03-06. Review status: criteria provided, single submitter. Criteria: Ambry Variant Classification Scheme 2023. Collection method: clinical testing. Allele origin: germline.
Comment: The c.2493dupA variant, located in coding exon 17 of the BRIP1 gene, results from a duplication of A at nucleotide position 2493, causing a translational frameshift with a predicted alternate stop codon (p.C832Mfs*3). This variant is considered to be rare based on population cohorts in the Genome Aggregation Database (gnomAD). This alteration is expected to result in loss of function by premature protein truncation or nonsense-mediated mRNA decay. As such, this alteration is interpreted as a disease-causing mutation.

NM_032043.3(BRIP1):c.2493dup (p.Cys832fs)

Gene: BRIP1 (BRCA1 interacting DNA helicase 1; minus strand). Cytogenetic location: 17q23.2.
Variant type: Duplication.
Coding change: c.2493dup on transcript NM_032043.3 (MANE Select); coding-DNA position 2493, one base duplicated (A; older notation c.2493dupA).
Protein change: p.Cys832fs; shifts the reading frame from cysteine 832.
Molecular consequence: frameshift variant.
Genome position (GRCh38, 1-based): chr17:61,693,512, T duplicated on the plus strand (A on the coding strand, the reverse complement: BRIP1 is on the minus strand). VCF-style (leftmost placement, unchanged base first): chr17-61693511-A-AT. GRCh37 (hg19) VCF-style: chr17-59770872-A-AT.
Other names: c.2493dupA (NM_032043.2); short protein forms C832fs.
Identifiers: ClinVar variation 3825699 (VCV003825699.1).